The following is an entry in ClinVar:

ClinVar aggregate classification (germline): Conflicting classifications of pathogenicity. Review status: criteria provided, conflicting classifications (1 of 4 stars). 4 submissions from 4 submitters: Uncertain significance (2); Likely benign (2). Last evaluated 2024-12-12.

Conditions:
Primary ciliary dyskinesia. Also called: Ciliary dyskinesia. Identifiers: Orphanet 244, MedGen C0008780, MONDO:0016575, HP:0012265.
Primary ciliary dyskinesia 7. Also called: CILIARY DYSKINESIA, PRIMARY, 7, WITH OR WITHOUT SITUS INVERSUS. Identifiers: Orphanet 244, MedGen C2678473, MONDO:0012748, OMIM 611884.

Allele frequency attached by ClinVar (database versions not stated): ExAC 0.00001.
gnomAD v4.1: 31 of 1,613,376 alleles (0.0019%); highest among the groups gnomAD compares: Admixed American, 0.022%; 2 homozygotes.

Submissions (4):

Labcorp Genetics (formerly Invitae), Labcorp
Classification: Likely benign for Primary ciliary dyskinesia. Last evaluated: 2024-12-12. Review status: criteria provided, single submitter. Criteria: Invitae Variant Classification Sherloc (09022015). Collection method: clinical testing. Allele origin: germline.

Blueprint Genetics
Classification: Likely benign. Last evaluated: 2024-11-11. Review status: criteria provided, single submitter. Criteria: ACMG Guidelines, 2015. Collection method: clinical testing. Allele origin: germline.

Johns Hopkins Genomics, Johns Hopkins University
Classification: Uncertain significance for Primary ciliary dyskinesia 7. Last evaluated: 2024-01-12. Review status: criteria provided, single submitter. Criteria: ACMG Guidelines, 2015. Collection method: clinical testing. Allele origin: germline.
Comment: This DNAH11 missense variant (rs762314534) is rare (<0.1%) in a large population dataset (gnomAD v4.0.0: 31/1613376 total alleles; 0.002%; 2 homozygotes). It has been reported in ClinVar (Variation ID 1055080), but has not been reported in the literature, to our knowledge. Two bioinformatic tools queried predict that this substitution would be tolerated, and while the isoleucine residue at this position is evolutionarily conserved across a few of the species assessed, most species have a different amino acid including several with leucine. We consider the clinical significance of c.2374A>C in DNAH11 to be uncertain at this time.

Ambry Genetics
Classification: Uncertain significance for Primary ciliary dyskinesia. Last evaluated: 2020-03-03. Review status: criteria provided, single submitter. Criteria: Ambry Variant Classification Scheme 2023. Collection method: clinical testing. Allele origin: germline.
Comment: The p.I792L variant (also known as c.2374A>C), located in coding exon 14 of the DNAH11 gene, results from an A to C substitution at nucleotide position 2374. The isoleucine at codon 792 is replaced by leucine, an amino acid with highly similar properties. This amino acid position is poorly conserved in available vertebrate species. In addition, this alteration is predicted to be tolerated by in silico analysis. Since supporting evidence is limited at this time, the clinical significance of this alteration remains unclear.

NM_001277115.2(DNAH11):c.2374A>C (p.Ile792Leu)

Gene: DNAH11 (dynein axonemal heavy chain 11; plus strand). Cytogenetic location: 7p15.3.
Variant type: single nucleotide variant.
Coding change: c.2374A>C on transcript NM_001277115.2 (MANE Select); coding-DNA position 2374, A replaced by C.
Protein change: p.Ile792Leu; replaces isoleucine 792 with leucine.
Molecular consequence: missense variant.
Genome position (GRCh38, 1-based): chr7:21,591,284, A>C. VCF-style: chr7-21591284-A-C. GRCh37 (hg19) VCF-style: chr7-21630902-A-C.
Other names: short protein forms I792L.
Identifiers: ClinVar variation 1055080 (VCV001055080.13), dbSNP rs762314534, ClinGen allele CA4179320.